The following is an entry in ClinVar:

ClinVar aggregate classification (germline): Uncertain significance (1 of 4 stars; one submission).

Conditions:
Chopra-Amiel-Gordon syndrome (CAGS). Also called: ANKRD17-Related Neurodevelopmental Syndrome. Identifiers: MedGen C5561975, MONDO:0859186, OMIM 619504.

Submission:

MVZ Medizinische Genetik Mainz
Classification: Uncertain significance for Chopra-Amiel-Gordon syndrome. Last evaluated: 2024-08-16. Review status: criteria provided, single submitter. Criteria: UK Practice Guidelines For Variant Classification V4 01 2020. Collection method: clinical testing. Allele origin: germline. Inheritance: Autosomal dominant inheritance. Affected: yes. Observed: 1 variant allele.
Comment: ACMG Criteria: PM1_SUP,PM2_SUP,PM5_SUP,PP2,PP3

NM_032217.5(ANKRD17):c.3556C>T (p.Pro1186Ser)

Gene: ANKRD17 (ankyrin repeat domain 17; minus strand). Cytogenetic location: 4q13.3.
Variant type: single nucleotide variant.
Coding change: c.3556C>T on transcript NM_032217.5 (MANE Select); coding-DNA position 3556, C replaced by T.
Protein change: p.Pro1186Ser; replaces proline 1186 with serine.
Molecular consequence: missense variant.
Genome position (GRCh38, 1-based): chr4:73,121,696, G>A on the plus strand (C>T on the coding strand, the complement: ANKRD17 is on the minus strand). VCF-style: chr4-73121696-G-A. GRCh37 (hg19) VCF-style: chr4-73987413-G-A.
Other names: c.3217C>T, p.Pro1073Ser (NM_001286771.3); c.3553C>T, p.Pro1185Ser (NM_015574.2); c.2803C>T, p.Pro935Ser (NM_198889.3); short protein forms P1073S, P1185S, P1186S, P935S.
Identifiers: ClinVar variation 3338373 (VCV003338373.1).
Genomic context (GRCh38, chr4:73,121,696, plus strand): 5'-CTGCATTTAGTAATATTTTGATGATGTTCACATAGCCACCAGAAGCAGCCAGACTTAGAG[G>A]TGTGTAATCAGAAACATTCCTGTGCTCTTTATTTGCCCCTCGAGCTAACAATAGCTCCAC-3'
Protein context (NP_115593.3, residues 1176-1196): KEHRNVSDYT[Pro1186Ser]LSLAASGGYV